The following is an entry in ClinVar:

NM_001365951.3(KIF1B):c.3994G>A (p.Ala1332Thr)

Gene: KIF1B (kinesin family member 1B; plus strand). Cytogenetic location: 1p36.22.
Variant type: single nucleotide variant.
Coding change: c.3994G>A on transcript NM_001365951.3 (MANE Select); coding-DNA position 3994, G replaced by A.
Protein change: p.Ala1332Thr; replaces alanine 1332 with threonine.
Molecular consequence: missense variant.
Genome position (GRCh38, 1-based): chr1:10,352,675, G>A. VCF-style: chr1-10352675-G-A. GRCh37 (hg19) VCF-style: chr1-10412733-G-A.
Other names: c.3994G>A, p.Ala1332Thr (NM_001365952.1); c.3856G>A, p.Ala1286Thr (NM_015074.3); short protein forms A1286T, A1332T.
Identifiers: ClinVar variation 4043124 (VCV004043124.1).

ClinVar aggregate classification (germline): Uncertain significance (1 of 4 stars; one submission).

gnomAD v4.1: 3 of 1,614,040 alleles (0.00019%); highest among the groups gnomAD compares: Non-Finnish European, 0.00025%; no homozygotes.

Submission:

Ambry Genetics
Classification: Uncertain significance. Last evaluated: 2025-05-03. Review status: criteria provided, single submitter. Criteria: Ambry Variant Classification Scheme 2023. Collection method: clinical testing. Allele origin: germline.
Comment: The p.A1286T variant (also known as c.3856G>A), located in coding exon 35 of the KIF1B gene, results from a G to A substitution at nucleotide position 3856. The alanine at codon 1286 is replaced by threonine, an amino acid with similar properties. This amino acid position is conserved. In addition, the in silico prediction for this alteration is inconclusive. Based on the available evidence, the clinical significance of this variant remains unclear.